The following is an entry in ClinVar:

ClinVar aggregate classification (germline): Uncertain significance (1 of 4 stars; one submission).

Conditions:
Familial intrahepatic cholestasis. Identifiers: Orphanet 284385, MedGen CN296401, MONDO:0017290.

Submission:

Genomenon, Inc
Classification: Uncertain significance for Familial intrahepatic cholestasis. Last evaluated: 2026-04-14. Review status: criteria provided, single submitter. Criteria: Genomenon Sequence Variant Interpretation Standards - Updated. Collection method: curation. Allele origin: germline. Affected: no.
Comment: ABCB11 p.Asp1172Gly (c.3515A>G) is a missense variant that changes the amino acid at residue 1172 from Aspartic acid to Glycine. This variant has been reported in the published literature (PMID:37208429). It is absent or not present at a significant frequency in gnomAD. In silico models predict that this variant is possibly or probably damaging. In conclusion, we classify ABCB11 p.Asp1172Gly (c.3515A>G) as a variant of uncertain significance.

Literature cited by the submitters: PubMed 37208429.

NM_003742.4(ABCB11):c.3515A>G (p.Asp1172Gly)

Gene: ABCB11 (ATP binding cassette subfamily B member 11; minus strand). Cytogenetic location: 2q31.1.
Variant type: single nucleotide variant.
Coding change: c.3515A>G on transcript NM_003742.4 (MANE Select); coding-DNA position 3515, A replaced by G.
Protein change: p.Asp1172Gly; replaces aspartic acid 1172 with glycine.
Molecular consequence: missense variant.
Genome position (GRCh38, 1-based): chr2:168,927,259, T>C on the plus strand (A>G on the coding strand, the complement: ABCB11 is on the minus strand). VCF-style: chr2-168927259-T-C. GRCh37 (hg19) VCF-style: chr2-169783769-T-C.
Other names: short protein forms D1172G.
Identifiers: ClinVar variation 4845963 (VCV004845963.1).